The following is an entry in ClinVar:

ClinVar aggregate classification (germline): Uncertain significance. Review status: criteria provided, multiple submitters, no conflicts (2 of 4 stars). 3 submissions from 3 submitters: Uncertain significance (3). Last evaluated 2025-08-27.

Conditions:
MYH7B-related disorder. Also called: MYH7B-related condition.

gnomAD v4.1: 62 of 1,472,052 alleles (0.0042%); highest among the groups gnomAD compares: Admixed American, 0.024%; no homozygotes.

Submissions (3):

Ambry Genetics
Classification: Uncertain significance. Last evaluated: 2025-08-27. Review status: criteria provided, single submitter. Criteria: Ambry Variant Classification Scheme 2023. Collection method: clinical testing. Allele origin: germline.

PreventionGenetics, part of Exact Sciences
Classification: Uncertain significance for MYH7B-related condition. Last evaluated: 2025-02-05. Review status: criteria provided, single submitter. Criteria: ACMG Guidelines, 2015. Collection method: clinical testing. Allele origin: germline.
Comment: The MYH7B c.3674G>A variant is predicted to result in the amino acid substitution p.Arg1225Gln. To our knowledge, this variant has not been reported in the literature. This variant is reported in 0.023% of alleles in individuals of Latino descent in gnomAD. At this time, the clinical significance of this variant is uncertain due to the absence of conclusive functional and genetic evidence.

Labcorp Genetics (formerly Invitae), Labcorp
Classification: Uncertain significance. Last evaluated: 2024-12-24. Review status: criteria provided, single submitter. Criteria: Invitae Variant Classification Sherloc (09022015). Collection method: clinical testing. Allele origin: germline.
Comment: This sequence change replaces arginine, which is basic and polar, with glutamine, which is neutral and polar, at codon 1225 of the MYH7B protein (p.Arg1225Gln). This variant is present in population databases (rs779672127, gnomAD 0.02%). This variant has not been reported in the literature in individuals affected with MYH7B-related conditions. Invitae Evidence Modeling of protein sequence and biophysical properties (such as structural, functional, and spatial information, amino acid conservation, physicochemical variation, residue mobility, and thermodynamic stability) indicates that this missense variant is not expected to disrupt MYH7B protein function with a negative predictive value of 80%. In summary, the available evidence is currently insufficient to determine the role of this variant in disease. Therefore, it has been classified as a Variant of Uncertain Significance.

NM_020884.7(MYH7B):c.3548G>A (p.Arg1183Gln)

Gene: MYH7B (myosin heavy chain 7B; plus strand). Cytogenetic location: 20q11.22.
Variant type: single nucleotide variant.
Coding change: c.3548G>A on transcript NM_020884.7 (MANE Select); coding-DNA position 3548, G replaced by A.
Protein change: p.Arg1183Gln; replaces arginine 1183 with glutamine.
Molecular consequence: missense variant.
Genome position (GRCh38, 1-based): chr20:34,997,441, G>A. VCF-style: chr20-34997441-G-A. GRCh37 (hg19) VCF-style: chr20-33585244-G-A.
Other names: c.3674G>A (NM_020884.4, NM_020884.3); short protein forms R1183Q.
Identifiers: ClinVar variation 3667595 (VCV003667595.3).
Genomic context (GRCh38, chr20:34,997,441, plus strand): 5'-CATCCGCGGGGCAGCGCGAGGGCTGCCGCAAGCGGGAGGCGGAGCTGGGGAGGCTGCGGC[G>A]GGAGCTGGAGGAGGCGGCGCTGCGGCACGAGGCCACAGTGGCGGCACTGCGGCGCAAGCA-3'
Protein context (NP_065935.4, residues 1173-1193): KREAELGRLR[Arg1183Gln]ELEEAALRHE